The following is an entry in ClinVar:

NM_004006.3(DMD):c.8731G>A (p.Val2911Ile)

Gene: DMD (dystrophin; minus strand). Cytogenetic location: Xp21.2.
Variant type: single nucleotide variant.
Coding change: c.8731G>A on transcript NM_004006.3 (MANE Select); coding-DNA position 8731, G replaced by A.
Protein change: p.Val2911Ile; replaces valine 2911 with isoleucine.
Molecular consequence: missense variant.
Genome position (GRCh38, 1-based): chrX:31,478,312, C>T on the plus strand (G>A on the coding strand, the complement: DMD is on the minus strand). VCF-style: chrX-31478312-C-T. GRCh37 (hg19) VCF-style: chrX-31496429-C-T.
Other names: c.8707G>A, p.Val2903Ile (NM_000109.4); c.8719G>A, p.Val2907Ile (NM_004009.3); c.8362G>A, p.Val2788Ile (NM_004010.3); c.4708G>A, p.Val1570Ile (NM_004011.4); c.4699G>A, p.Val1567Ile (NM_004012.4); c.1351G>A, p.Val451Ile (NM_004013.3, NM_004020.4, NM_004021.3 and 2 more transcripts); c.544G>A, p.Val182Ile (NM_004014.3); short protein forms V2903I, V2911I, V451I, V1567I, V1570I, V2907I, V182I, V2788I.
Identifiers: ClinVar variation 859158 (VCV000859158.10), dbSNP rs2067969794, ClinGen allele CA412654282.
Genomic context (GRCh38, chrX:31,478,312, plus strand): 5'-CATCTATTTTTCTCTGCCAGTCAGCGGAGTGCAGGTTCAATTTTTCCCACTCAGTATTGA[C>T]CTCCTCAGCCTGCTTTCGTAGAAGCCGAGTGACATTCTGGGCTCTCTCCTCAGGAGGCAG-3'
Protein context (NP_003997.2, residues 2901-2921): TRLLRKQAEE[Val2911Ile]NTEWEKLNLH

ClinVar aggregate classification (germline): Uncertain significance (1 of 4 stars; one submission).

Conditions:
Duchenne muscular dystrophy (DMD). Also called: Duchenne Muscular Dystrophy (DMD); MUSCULAR DYSTROPHY, PSEUDOHYPERTROPHIC PROGRESSIVE, DUCHENNE TYPE. Identifiers: Orphanet 98896, MedGen C0013264, MONDO:0010679, OMIM 310200.

Submission:

Labcorp Genetics (formerly Invitae), Labcorp
Classification: Uncertain significance for Duchenne muscular dystrophy. Last evaluated: 2019-01-30. Review status: criteria provided, single submitter. Criteria: Invitae Variant Classification Sherloc (09022015). Collection method: clinical testing. Allele origin: germline.
Comment: This variant is not present in population databases (ExAC no frequency). In summary, the available evidence is currently insufficient to determine the role of this variant in disease. Therefore, it has been classified as a Variant of Uncertain Significance. Algorithms developed to predict the effect of missense changes on protein structure and function (SIFT, PolyPhen-2, Align-GVGD) all suggest that this variant is likely to be tolerated, but these predictions have not been confirmed by published functional studies and their clinical significance is uncertain. This variant has not been reported in the literature in individuals with DMD-related conditions. This sequence change replaces valine with isoleucine at codon 2911 of the DMD protein (p.Val2911Ile). The valine residue is highly conserved and there is a small physicochemical difference between valine and isoleucine.